The following is an entry in ClinVar:

NM_001282531.3(ADNP):c.1528_1529insT (p.His510fs)

Gene: ADNP (activity dependent neuroprotector homeobox; minus strand). Cytogenetic location: 20q13.13.
Variant type: Insertion.
Coding change: c.1528_1529insT on transcript NM_001282531.3 (MANE Select); coding-DNA positions 1528 to 1529, T inserted.
Protein change: p.His510fs; shifts the reading frame from histidine 510.
Molecular consequence: frameshift variant.
Genome position: GRCh38 VCF-style: chr20-50893185-T-TA. GRCh37 (hg19) VCF-style: chr20-49509722-T-TA.
Other names: c.1528_1529insT, p.His510fs (NM_001282532.2, NM_001347511.2, NM_015339.5 and 1 more transcripts); short protein forms H510fs.
Identifiers: ClinVar variation 3727961 (VCV003727961.2).
Genomic context (GRCh38, chr20:50,893,185, plus strand): 5'-TGTGCGGCCATCTTTTCCACATCATTGAAAGTTGAACGGCAATATGGACAAGACAGACCA[T>TA]GAATTAACATATGGTTGAGCAGAGTATCTGTGGGTAAATAGCGATTACAGTAGAGGCATT-3'

ClinVar aggregate classification (germline): Pathogenic (1 of 4 stars; one submission).

Submission:

Labcorp Genetics (formerly Invitae), Labcorp
Classification: Pathogenic. Last evaluated: 2024-12-24. Review status: criteria provided, single submitter. Criteria: Invitae Variant Classification Sherloc (09022015). Collection method: clinical testing. Allele origin: germline.
Comment: This sequence change creates a premature translational stop signal (p.His510Leufs*14) in the ADNP gene. While this is not anticipated to result in nonsense mediated decay, it is expected to disrupt the last 593 amino acid(s) of the ADNP protein. This variant is not present in population databases (gnomAD no frequency). This variant has not been reported in the literature in individuals affected with ADNP-related conditions. This variant disrupts a region of the ADNP protein in which other variant(s) (p.Met1088Serfs*5) have been determined to be pathogenic (PMID: 28135719). This suggests that this is a clinically significant region of the protein, and that variants that disrupt it are likely to be disease-causing. For these reasons, this variant has been classified as Pathogenic.

Literature cited by the submitters: PubMed 28135719.